The following is an entry in ClinVar:

NM_001134831.2(AHI1):c.178A>G (p.Thr60Ala)

Gene: AHI1 (Abelson helper integration site 1; minus strand). Cytogenetic location: 6q23.3.
Variant type: single nucleotide variant.
Coding change: c.178A>G on transcript NM_001134831.2 (MANE Select); coding-DNA position 178, A replaced by G.
Protein change: p.Thr60Ala; replaces threonine 60 with alanine.
Molecular consequence: missense variant.
Genome position (GRCh38, 1-based): chr6:135,467,592, T>C on the plus strand (A>G on the coding strand, the complement: AHI1 is on the minus strand). VCF-style: chr6-135467592-T-C. GRCh37 (hg19) VCF-style: chr6-135788730-T-C.
Other names: c.178A>G, p.Thr60Ala (NM_001134830.2, NM_001134832.2, NM_001350503.2 and 2 more transcripts); short protein forms T60A.
Identifiers: ClinVar variation 260841 (VCV000260841.39), dbSNP rs115502075, ClinGen allele CA4012902.

ClinVar aggregate classification (germline): Benign/Likely benign. Review status: criteria provided, multiple submitters, no conflicts (2 of 4 stars). 6 submissions from 6 submitters: Benign (2); Likely benign (4). Last evaluated 2026-02-04.

Conditions:
Joubert syndrome. Also called: JOUBERT-BOLTSHAUSER SYNDROME; Familial aplasia of the vermis. Identifiers: Orphanet 475, MedGen C5979921, MONDO:0018772.

Allele frequency attached by ClinVar (database versions not stated): gnomAD exomes 0.00031 and 0.00081; ExAC 0.00099; 1000 Genomes Project 0.00260; gnomAD 0.00264 and 0.00279; TOPMed 0.00316; 1000 Genomes Project 30x 0.00344; ESP Exome Variant Server 0.00393.

Submissions (6):

Labcorp Genetics (formerly Invitae), Labcorp
Classification: Benign for Joubert syndrome. Last evaluated: 2026-02-04. Review status: criteria provided, single submitter. Criteria: Invitae Variant Classification Sherloc (09022015). Collection method: clinical testing. Allele origin: germline.

Blueprint Genetics
Classification: Likely benign. Last evaluated: 2024-10-07. Review status: criteria provided, single submitter. Criteria: ACMG Guidelines, 2015. Collection method: clinical testing. Allele origin: germline.

CeGaT Center for Human Genetics Tuebingen
Classification: Likely benign. Last evaluated: 2023-01-01. Review status: criteria provided, single submitter. Criteria: CeGaT Center For Human Genetics Tuebingen Variant Classification Criteria Version 2. Collection method: clinical testing. Allele origin: germline. Affected: yes. Observed: 1 variant allele.
Comment: AHI1: BP4, BS2

GeneDx
Classification: Likely benign. Last evaluated: 2017-02-21. Review status: criteria provided, single submitter. Criteria: GeneDx Variant Classification (06012015). Collection method: clinical testing. Allele origin: germline. Affected: yes.
Comment: This variant is considered likely benign or benign based on one or more of the following criteria: it is a conservative change, it occurs at a poorly conserved position in the protein, it is predicted to be benign by multiple in silico algorithms, and/or has population frequency not consistent with disease.

Breakthrough Genomics
Classification: Likely benign. Review status: criteria provided, single submitter. Criteria: ACMG Guidelines, 2015. Collection method: not provided. Allele origin: germline. Inheritance: Autosomal recessive inheritance. Affected: yes.

PreventionGenetics, part of Exact Sciences
Classification: Benign. Review status: criteria provided, single submitter. Criteria: ACMG Guidelines, 2015. Collection method: clinical testing. Allele origin: germline.